The following is an entry in ClinVar:

NM_024753.5(TTC21B):c.3723G>A (p.Met1241Ile)

Gene: TTC21B (tetratricopeptide repeat domain 21B; minus strand). Cytogenetic location: 2q24.3.
Variant type: single nucleotide variant.
Coding change: c.3723G>A on transcript NM_024753.5 (MANE Select); coding-DNA position 3723, G replaced by A.
Protein change: p.Met1241Ile; replaces methionine 1241 with isoleucine.
Molecular consequence: missense variant.
Genome position (GRCh38, 1-based): chr2:165,880,761, C>T on the plus strand (G>A on the coding strand, the complement: TTC21B is on the minus strand). VCF-style: chr2-165880761-C-T. GRCh37 (hg19) VCF-style: chr2-166737271-C-T.
Other names: short protein forms M1241I.
Identifiers: ClinVar variation 1470074 (VCV001470074.6), dbSNP rs2105281084, ClinGen allele CA349045990.

ClinVar aggregate classification (germline): Uncertain significance (1 of 4 stars; one submission).

Conditions:
Jeune thoracic dystrophy. Also called: Jeune syndrome; Infantile thoracic dystrophy; Thoracic pelvic phalangeal dystrophy; Jeune's syndrome; Chondroectodermal dysplasia-like syndrome; Short-rib thoracic dysplasia. Identifiers: Orphanet 474, MedGen C0265275, MONDO:0018770.
Nephronophthisis. Also called: Juvenile Nephronophthisis. Identifiers: Orphanet 655, MedGen C0687120, MONDO:0019005, HP:0000090.

Submission:

Labcorp Genetics (formerly Invitae), Labcorp
Classification: Uncertain significance for Jeune thoracic dystrophy; Nephronophthisis. Last evaluated: 2021-08-09. Review status: criteria provided, single submitter. Criteria: Invitae Variant Classification Sherloc (09022015). Collection method: clinical testing. Allele origin: germline.
Comment: In summary, the available evidence is currently insufficient to determine the role of this variant in disease. Therefore, it has been classified as a Variant of Uncertain Significance. Algorithms developed to predict the effect of sequence changes on RNA splicing suggest that this variant may create or strengthen a splice site. Algorithms developed to predict the effect of missense changes on protein structure and function are either unavailable or do not agree on the potential impact of this missense change (SIFT: "Tolerated"; PolyPhen-2: "Possibly Damaging"; Align-GVGD: "Class C0"). This variant has not been reported in the literature in individuals affected with TTC21B-related conditions. This variant is not present in population databases (ExAC no frequency). This sequence change replaces methionine with isoleucine at codon 1241 of the TTC21B protein (p.Met1241Ile). The methionine residue is highly conserved and there is a small physicochemical difference between methionine and isoleucine.